The following is an entry in ClinVar:

NM_003072.5(SMARCA4):c.2168C>G (p.Ala723Gly)

Gene: SMARCA4 (SWI/SNF related BAF chromatin remodeling complex subunit ATPase 4; plus strand). Cytogenetic location: 19p13.2.
Variant type: single nucleotide variant.
Coding change: c.2168C>G on transcript NM_003072.5 (MANE Select); coding-DNA position 2168, C replaced by G.
Protein change: p.Ala723Gly; replaces alanine 723 with glycine.
Molecular consequence: missense variant. On other transcripts: non-coding transcript variant (1).
Genome position (GRCh38, 1-based): chr19:11,010,425, C>G. VCF-style: chr19-11010425-C-G. GRCh37 (hg19) VCF-style: chr19-11121101-C-G.
Other names: c.2168C>G, p.Ala723Gly (NM_001128844.3, NM_001128845.2, NM_001128846.2 and 6 more transcripts); short protein forms A723G.
Identifiers: ClinVar variation 2452843 (VCV002452843.2), dbSNP rs1600188186, ClinGen allele CA404052751.

ClinVar aggregate classification (germline): Uncertain significance (1 of 4 stars; one submission).

Conditions:
Hereditary cancer-predisposing syndrome. Also called: Neoplastic Syndromes, Hereditary; Tumor predisposition; Hereditary neoplastic syndrome; Hereditary Cancer Syndrome. Identifiers: Orphanet 140162, MedGen C0027672, MeSH D009386, MONDO:0015356.

Submission:

Ambry Genetics
Classification: Uncertain significance for Hereditary cancer-predisposing syndrome. Last evaluated: 2022-12-01. Review status: criteria provided, single submitter. Criteria: Ambry Variant Classification Scheme 2023. Collection method: clinical testing. Allele origin: germline.
Comment: The p.A723G variant (also known as c.2168C>G), located in coding exon 14 of the SMARCA4 gene, results from a C to G substitution at nucleotide position 2168. The alanine at codon 723 is replaced by glycine, an amino acid with similar properties. This amino acid position is not well conserved in available vertebrate species. In addition, this alteration is predicted to be tolerated by in silico analysis. Missense and in-frame variants in SMARCA4 are known to cause neurodevelopmental disorders; however, such associations with rhabdoid tumor predisposition syndrome including small cell carcinoma of the ovary-hypercalcemic type (SCCOHT) are exceedingly rare (Kosho T et al. Am J Med Genet C Semin Med Genet. 2014 Sep;166C(3):262-75; Jelinic P et al. Nat Genet. 2014 May;46(5):424-6). Based on the supporting evidence, the association of this alteration with Coffin-Siris syndrome is unknown; however, the association of this alteration with rhabdoid tumor predisposition syndrome is unlikely.